The following continues an entry in ClinVar:

NM_007294.4(BRCA1):c.4327C>T (p.Arg1443Ter)

Gene: BRCA1. ClinVar aggregate classification (germline): Pathogenic. Pathogenic (1).

Submission 59 of 59:

Fulgent Genetics
Classification: Pathogenic for Familial cancer of breast; Breast-ovarian cancer, familial, susceptibility to, 1; Pancreatic cancer, susceptibility to, 4; Fanconi anemia, complementation group S. Last evaluated: 2018-10-31. Review status: flagged submission. Criteria: ACMG Guidelines, 2015. Collection method: clinical testing. Allele origin: unknown. Not counted in ClinVar's aggregate classification.
ClinVar note: Reason: This record appears to be redundant with a more recent record from the same submitter.
ClinVar note: Notes: SCV000893445 appears to be redundant with SCV000611253.

Literature cited by the submitters: PubMed 20104584 (cited by 5 submitters); PubMed 16030099 (cited by 6 submitters); PubMed 19656415 (cited by 5 submitters); PubMed 22798144 (cited by 5 submitters); PubMed 23233716 (cited by 4 submitters); PubMed 10422801 (cited by 5 submitters); PubMed 11250694 (cited by Labcorp Genetics (formerly Invitae), Labcorp and Institute for Genomic Medicine (IGM) Clinical Laboratory, Nationwide Children's Hospital); PubMed 15883839 (cited by 9 submitters); PubMed 20694749 (cited by 5 submitters); PubMed 9792861 (cited by 6 submitters); PubMed 23199084 (cited by 5 submitters); PubMed 18680205 (cited by 6 submitters); PubMed 33646313 (cited by Center for Genomic Medicine, Rigshospitalet, Copenhagen University Hospital and Quest Diagnostics Nichols Institute San Juan Capistrano); PubMed 35464868 (cited by Center for Genomic Medicine, Rigshospitalet, Copenhagen University Hospital); PubMed 18431737 (cited by Institute for Genomic Medicine (IGM) Clinical Laboratory, Nationwide Children's Hospital); PubMed 26515461 (cited by Institute for Genomic Medicine (IGM) Clinical Laboratory, Nationwide Children's Hospital); PubMed 35236825 (cited by Institute for Genomic Medicine (IGM) Clinical Laboratory, Nationwide Children's Hospital); PubMed 11307153 (cited by Institute for Genomic Medicine (IGM) Clinical Laboratory, Nationwide Children's Hospital); PubMed 22401979 (cited by 3 submitters); PubMed 23341105 (cited by 3 submitters); PubMed 25085752 (cited by 3 submitters); PubMed 25652403 (cited by Ambry Genetics); PubMed 27469594 (cited by Ambry Genetics); PubMed 29470806 (cited by 4 submitters); PubMed 29907814 (cited by 4 submitters); PubMed 7493024 (cited by 3 submitters); PubMed 7894491 (cited by 10 submitters); PubMed 10682662 (cited by 4 submitters); PubMed 11179017 (cited by 3 submitters); PubMed 15726418 (cited by 6 submitters); PubMed 17221156 (cited by 4 submitters); PubMed 18821011 (cited by 3 submitters); PubMed 19241424 (cited by 4 submitters); PubMed 19329713 (cited by 3 submitters); PubMed 19863560 (cited by 4 submitters); PubMed 21203900 (cited by 4 submitters); PubMed 21324516 (cited by 8 submitters); PubMed 26681312 (cited by 3 submitters); PubMed 27553291 (cited by 3 submitters); PubMed 28283652 (cited by 4 submitters); PubMed 28724667 (cited by 3 submitters); PubMed 28993434 (cited by 3 submitters); PubMed 33471991 (cited by All of Us Research Program, National Institutes of Health and Color Diagnostics, LLC DBA Color Health); PubMed 29446198 (cited by 3 submitters); PubMed 30702160 (cited by Mayo Clinic Laboratories, Mayo Clinic and Quest Diagnostics Nichols Institute San Juan Capistrano); PubMed 33758026 (cited by Mayo Clinic Laboratories, Mayo Clinic); PubMed 16417652 (cited by Laboratory for Molecular Medicine, Mass General Brigham Personalized Medicine); PubMed 8571953 (cited by Laboratory for Molecular Medicine, Mass General Brigham Personalized Medicine and Women's Health and Genetics/Laboratory Corporation of America, LabCorp); PubMed 8990217 (cited by Laboratory for Molecular Medicine, Mass General Brigham Personalized Medicine); PubMed 9625424 (cited by Laboratory for Molecular Medicine, Mass General Brigham Personalized Medicine); PubMed 10984458 (cited by Laboratory for Molecular Medicine, Mass General Brigham Personalized Medicine); PubMed 8533757 (cited by Laboratory for Molecular Medicine, Mass General Brigham Personalized Medicine); PubMed 15951958 (cited by Laboratory for Molecular Medicine, Mass General Brigham Personalized Medicine); PubMed 11597388 (cited by Quest Diagnostics Nichols Institute San Juan Capistrano); PubMed 25525159 (cited by Quest Diagnostics Nichols Institute San Juan Capistrano); PubMed 28111427 (cited by Quest Diagnostics Nichols Institute San Juan Capistrano); PubMed 30078507 (cited by Quest Diagnostics Nichols Institute San Juan Capistrano); PubMed 30093976 (cited by Quest Diagnostics Nichols Institute San Juan Capistrano); PubMed 30322717 (cited by Quest Diagnostics Nichols Institute San Juan Capistrano); PubMed 30630528 (cited by Quest Diagnostics Nichols Institute San Juan Capistrano); PubMed 30720243 (cited by Quest Diagnostics Nichols Institute San Juan Capistrano); PubMed 30875412 (cited by Quest Diagnostics Nichols Institute San Juan Capistrano); PubMed 31090900 (cited by Quest Diagnostics Nichols Institute San Juan Capistrano); PubMed 31447099 (cited by Quest Diagnostics Nichols Institute San Juan Capistrano); PubMed 31454914 (cited by Quest Diagnostics Nichols Institute San Juan Capistrano); PubMed 31528241 (cited by Quest Diagnostics Nichols Institute San Juan Capistrano and Sema4); PubMed 31565484 (cited by Quest Diagnostics Nichols Institute San Juan Capistrano); PubMed 31742824 (cited by Quest Diagnostics Nichols Institute San Juan Capistrano); PubMed 31815095 (cited by Quest Diagnostics Nichols Institute San Juan Capistrano); PubMed 31825140 (cited by Quest Diagnostics Nichols Institute San Juan Capistrano); PubMed 28049106 (cited by Quest Diagnostics Nichols Institute San Juan Capistrano); PubMed 31921681 (cited by Quest Diagnostics Nichols Institute San Juan Capistrano); PubMed 31957001 (cited by Quest Diagnostics Nichols Institute San Juan Capistrano and Sema4); PubMed 32029870 (cited by Quest Diagnostics Nichols Institute San Juan Capistrano); PubMed 32341426 (cited by Quest Diagnostics Nichols Institute San Juan Capistrano); PubMed 32854451 (cited by Quest Diagnostics Nichols Institute San Juan Capistrano and Sema4); PubMed 32885271 (cited by Quest Diagnostics Nichols Institute San Juan Capistrano); PubMed 26295337 (cited by Quest Diagnostics Nichols Institute San Juan Capistrano); DOI 10.3389/fgene.2022.834265 (cited by National Health Laboratory Service, Universitas Academic Hospital and University of the Free State); PubMed 25884701 (cited by Department of Pathology and Laboratory Medicine, Sinai Health System).